The following is an entry in ClinVar:

NM_016562.4(TLR7):c.2540T>C (p.Ile847Thr)

Gene: TLR7 (toll like receptor 7; plus strand). Cytogenetic location: Xp22.2.
Variant type: single nucleotide variant.
Coding change: c.2540T>C on transcript NM_016562.4 (MANE Select); coding-DNA position 2540, T replaced by C.
Protein change: p.Ile847Thr; replaces isoleucine 847 with threonine.
Molecular consequence: missense variant.
Genome position (GRCh38, 1-based): chrX:12,888,048, T>C. VCF-style: chrX-12888048-T-C. GRCh37 (hg19) VCF-style: chrX-12906167-T-C.
Other names: short protein forms I847T.
Identifiers: ClinVar variation 4759566 (VCV004759566.1).

ClinVar aggregate classification (germline): Uncertain significance (1 of 4 stars; one submission).

gnomAD v4.1: 3 of 1,210,055 alleles (0.00025%); highest among the groups gnomAD compares: African/African-American, 0.0052%; no homozygotes.

Submission:

Labcorp Genetics (formerly Invitae), Labcorp
Classification: Uncertain significance. Last evaluated: 2026-01-21. Review status: criteria provided, single submitter. Criteria: Invitae Variant Classification Sherloc (09022015). Collection method: clinical testing. Allele origin: germline.
Comment: This sequence change replaces isoleucine, which is neutral and non-polar, with threonine, which is neutral and polar, at codon 847 of the TLR7 protein (p.Ile847Thr). This variant is present in population databases (rs770241880, gnomAD 0.02%). This variant has not been reported in the literature in individuals affected with TLR7-related conditions. An algorithm developed to predict the effect of missense changes on protein structure and function (PolyPhen-2) suggests that this variant is likely to be tolerated. In summary, the available evidence is currently insufficient to determine the role of this variant in disease. Therefore, it has been classified as a Variant of Uncertain Significance.